The following is an entry in ClinVar:

NM_001291415.2(KDM6A):c.54C>A (p.Phe18Leu)

Gene: KDM6A (lysine demethylase 6A; plus strand). Cytogenetic location: Xp11.3.
Variant type: single nucleotide variant.
Coding change: c.54C>A on transcript NM_001291415.2 (MANE Select); coding-DNA position 54, C replaced by A.
Protein change: p.Phe18Leu; replaces phenylalanine 18 with leucine.
Molecular consequence: missense variant. On other transcripts: 5 prime UTR variant (1), non-coding transcript variant (1).
Genome position (GRCh38, 1-based): chrX:44,873,605, C>A. VCF-style: chrX-44873605-C-A. GRCh37 (hg19) VCF-style: chrX-44732851-C-A.
Other names: c.54C>A, p.Phe18Leu (NM_001291416.2, NM_001291417.2, NM_001291418.2 and 9 more transcripts); c.-579C>A (NM_001291421.2); short protein forms F18L.
Identifiers: ClinVar variation 2995767 (VCV002995767.3), dbSNP rs2031069174, ClinGen allele CA413020174.

ClinVar aggregate classification (germline): Uncertain significance (1 of 4 stars; one submission).

Conditions:
Kabuki syndrome 2 (KABUK2). Also called: KDM6A-Related Kabuki Syndrome. Identifiers: Orphanet 2322, MedGen C3275495, MONDO:0010465, OMIM 300867.

Allele frequency attached by ClinVar (database versions not stated): gnomAD exomes below 0.00001; gnomAD 0.00001; TOPMed 0.00001.
gnomAD v4.1: 3 of 1,204,703 alleles (0.00025%); highest among the groups gnomAD compares: Non-Finnish European, 0.00034%; no homozygotes.

Submission:

Labcorp Genetics (formerly Invitae), Labcorp
Classification: Uncertain significance for Kabuki syndrome 2. Last evaluated: 2023-11-21. Review status: criteria provided, single submitter. Criteria: Invitae Variant Classification Sherloc (09022015). Collection method: clinical testing. Allele origin: germline.
Comment: This sequence change replaces phenylalanine, which is neutral and non-polar, with leucine, which is neutral and non-polar, at codon 18 of the KDM6A protein (p.Phe18Leu). This variant is not present in population databases (gnomAD no frequency). This variant has not been reported in the literature in individuals affected with KDM6A-related conditions. Advanced modeling of protein sequence and biophysical properties (such as structural, functional, and spatial information, amino acid conservation, physicochemical variation, residue mobility, and thermodynamic stability) has been performed at Invitae for this missense variant, however the output from this modeling did not meet the statistical confidence thresholds required to predict the impact of this variant on KDM6A protein function. In summary, the available evidence is currently insufficient to determine the role of this variant in disease. Therefore, it has been classified as a Variant of Uncertain Significance.